The following is an entry in ClinVar:

ClinVar aggregate classification (germline): Uncertain significance (1 of 4 stars; one submission).

gnomAD v4.1: 2 of 1,613,714 alleles (0.00012%); highest among the groups gnomAD compares: Non-Finnish European, 0.00017%; no homozygotes.

Submission:

Labcorp Genetics (formerly Invitae), Labcorp
Classification: Uncertain significance. Last evaluated: 2022-07-25. Review status: criteria provided, single submitter. Criteria: Invitae Variant Classification Sherloc (09022015). Collection method: clinical testing. Allele origin: germline.
Comment: In summary, the available evidence is currently insufficient to determine the role of this variant in disease. Therefore, it has been classified as a Variant of Uncertain Significance. Algorithms developed to predict the effect of missense changes on protein structure and function output the following: SIFT: "Tolerated"; PolyPhen-2: "Benign"; Align-GVGD: "Class C0". The leucine amino acid residue is found in multiple mammalian species, which suggests that this missense change does not adversely affect protein function. This variant has not been reported in the literature in individuals affected with XRCC2-related conditions. This variant is not present in population databases (gnomAD no frequency). This sequence change replaces phenylalanine, which is neutral and non-polar, with leucine, which is neutral and non-polar, at codon 115 of the XRCC2 protein (p.Phe115Leu).

NM_005431.2(XRCC2):c.343T>C (p.Phe115Leu)

Gene: XRCC2 (X-ray repair cross complementing 2; minus strand). Cytogenetic location: 7q36.1.
Variant type: single nucleotide variant.
Coding change: c.343T>C on transcript NM_005431.2 (MANE Select); coding-DNA position 343, T replaced by C.
Protein change: p.Phe115Leu; replaces phenylalanine 115 with leucine.
Molecular consequence: missense variant.
Genome position (GRCh38, 1-based): chr7:152,649,142, A>G on the plus strand (T>C on the coding strand, the complement: XRCC2 is on the minus strand). VCF-style: chr7-152649142-A-G. GRCh37 (hg19) VCF-style: chr7-152346227-A-G.
Other names: short protein forms F115L.
Identifiers: ClinVar variation 1713721 (VCV001713721.5), dbSNP rs2116988058, ClinGen allele CA370198908.